The following continues an entry in ClinVar:

NM_000051.4(ATM):c.162T>C (p.Tyr54=)

Gene: ATM. ClinVar aggregate classification (germline): Conflicting classifications of pathogenicity. Uncertain significance (1); Benign (11); Likely benign (13).

Submissions 22 to 34 of 34:

Women's Health and Genetics/Laboratory Corporation of America, LabCorp
Classification: Benign. Last evaluated: 2016-01-11. Review status: criteria provided, single submitter. Criteria: LabCorp Variant Classification Summary - May 2015. Collection method: clinical testing. Allele origin: germline.
Comment: Variant summary: This c.162T>C variant affects a non-conserved nucleotide, resulting in synonymous amino acid change. 5/5 splice-site tools via Alamut predict that this variant does not affect normal splicing. This variant was found in 208/121226 control chromosomes (including the large and broad populations of ExAC) at a frequency of 0.0017158, which does not exceed the maximal expected frequency of a pathogenic allele (0.0039528) in this gene. However, the possibility that this variant can still represents as a rare polymorphism cannot be ruled out from the comparison. The variant is more common in European (Non-Finnish) population where its allele frequency is 0.25% (167/66625 chromosomes) including one homozygous occurrence. The homozygote is suggestive of a benign outcome with respect to early onset recessive phenotype A-T. [Penetrance of variants causing A-T is not exactly known.] This variant has been found in patients with A-T, breast and/or ovarian cancer, chronic lymphocytic leukemia and Hodgkins lymphoma. The publications reporting patient occurrences report this variant as polymorphism. In one A-T patient reported, the patient also carried other two potentially pathogenic variants (Buzin_2003), suggesting a benign outcome for this variant. In addition, this variant was found at similar frequencies in a small case-control study (Liberzon_2004), further supporting a benign outcome. Multiple clinical labs have classified this variant as benign/likely benign. Taken together, this variant has been classified as Benign.

Color Diagnostics, LLC DBA Color Health
Classification: Benign for Hereditary cancer-predisposing syndrome. Last evaluated: 2015-04-25. Review status: criteria provided, single submitter. Criteria: ACMG Guidelines, 2015. Collection method: clinical testing. Allele origin: germline.

Ambry Genetics
Classification: Likely benign for Hereditary cancer-predisposing syndrome. Last evaluated: 2014-06-20. Review status: criteria provided, single submitter. Criteria: Ambry Variant Classification Scheme 2023. Collection method: clinical testing. Allele origin: germline.

GeneDx
Classification: Benign. Last evaluated: 2013-10-23. Review status: criteria provided, single submitter. Criteria: GeneDx Variant Classification (06012015). Collection method: clinical testing. Allele origin: germline. Affected: yes.
Comment: This variant is considered likely benign or benign based on one or more of the following criteria: it is a conservative change, it occurs at a poorly conserved position in the protein, it is predicted to be benign by multiple in silico algorithms, and/or has population frequency not consistent with disease.

Natera, Inc.
Classification: Likely benign for Ataxia-telangiectasia. Last evaluated: 2020-04-11. Review status: no assertion criteria provided. Collection method: clinical testing. Allele origin: germline. Not counted in ClinVar's aggregate classification.

True Health Diagnostics
Classification: Likely benign for Hereditary cancer-predisposing syndrome. Last evaluated: 2018-01-03. Review status: no assertion criteria provided. Collection method: clinical testing. Allele origin: germline. Not counted in ClinVar's aggregate classification.

Genome Diagnostics Laboratory, Amsterdam University Medical Center
Classification: Benign for Ataxia-telangiectasia syndrome. Last evaluated: 2017-09-27. Review status: no assertion criteria provided. Criteria: ACGS Guidelines, 2013. Collection method: clinical testing. Allele origin: germline. Affected: yes. Study: VKGL Data-share Consensus. Not counted in ClinVar's aggregate classification.

Clinical Genetics Laboratory, Department of Pathology, Netherlands Cancer Institute
Classification: Benign. Review status: no assertion criteria provided. Collection method: clinical testing. Allele origin: germline. Affected: yes. Study: VKGL Data-share Consensus. Not counted in ClinVar's aggregate classification.

Clinical Genetics, Academic Medical Center
Classification: Benign. Review status: no assertion criteria provided. Collection method: clinical testing. Allele origin: germline. Affected: yes. Study: VKGL Data-share Consensus. Not counted in ClinVar's aggregate classification.

Department of Pathology and Laboratory Medicine, Sinai Health System
Classification: Likely benign. Review status: no assertion criteria provided. Collection method: clinical testing. Allele origin: unknown. Affected: yes. Observed: 13 variant alleles. Study: The Canadian Open Genetics Repository (COGR). Not counted in ClinVar's aggregate classification.
Comment: The ATM p.Tyr54= variant was identified in 8 of 1966 proband chromosomes (frequency: 0.004) from Finnish, Dutch and Austrian individuals or families with (BRCA1/2 negative) breast cancer or HBOC, American/non America Indian individuals undergoing radiation therapy, and Jewish children with Hodgkinâ€šÃ„Ã´s disease (Tommiska_2006_16914028, Thorstenson_2003_12810666, Petereit_2013_24416720, Liberzon_2004_14735203, Broeks_2008_17393301). The variant was identified in dbSNP (ID: rs3218690) â€šÃ„ÃºWith other alleleâ€šÃ„Ã¹, ClinVar (conflicting interpretations of pathogenicity; submitters: benign by Invitae and GeneDx, likely benign by Ambry Genetics and Genetic Services Laboratory (University of Chicago), and uncertain significance by Praxis fur Humangenetik Tuebingen), Clinvitae (4x), and was not identified in GeneInsight-COGR, Cosmic, MutDB, or LOVD 3.0. The variant was also identified in control databases in 486 (1 homozygous) of 276848 chromosomes at a frequency of 0.002 increasing the likelihood this could be a low frequency benign variant (Genome Aggregation Database Feb 27, 2017). Breakdown of the observations by population include African in 14 of 24010 chromosomes (freq: 0.0006), Other in 13 of 6460 chromosomes (freq: 0.002), Latino in 12 of 34408 chromosomes (freq: 0.0003), European Non-Finnish in 359 (1 homozygous) of 126590 chromosomes (freq: 0.003), Ashkenazi Jewish in 24 of 10142 chromosomes (freq: 0.002), European Finnish in 43 of 25762 chromosomes (freq: 0.002), and South Asian in 21 of 30610 chromosomes (freq: 0.0007) while not observed in the East Asian population. The p.Tyr54= variant is not expected to have clinical significance because it does not result in a change of amino acid and is not located in a known consensus splice site. In addition, in silico or computational prediction software programs (SpliceSiteFinder, MaxEntScan, NNSPLICE, GeneSplicer, HumanSpliceFinder) do not predict a difference in splicing. In summary, based on the above information the clinical significance of this variant cannot be determined with certainty at this time although we would lean towards a more benign role for this variant. This variant is classified as likely benign.

Genome Diagnostics Laboratory, University Medical Center Utrecht
Classification: Likely benign. Review status: no assertion criteria provided. Collection method: clinical testing. Allele origin: germline. Affected: yes. Study: VKGL Data-share Consensus. Not counted in ClinVar's aggregate classification.

Joint Genome Diagnostic Labs from Nijmegen and Maastricht, Radboudumc and MUMC+
Classification: Likely benign. Review status: no assertion criteria provided. Collection method: clinical testing. Allele origin: germline. Affected: yes. Study: VKGL Data-share Consensus. Not counted in ClinVar's aggregate classification.

Laboratory of Diagnostic Genome Analysis, Leiden University Medical Center (LUMC)
Classification: Likely benign. Review status: no assertion criteria provided. Collection method: clinical testing. Allele origin: germline. Affected: yes. Study: VKGL Data-share Consensus. Not counted in ClinVar's aggregate classification.

Literature cited by the submitters: PubMed 17393301 (cited by Quest Diagnostics Nichols Institute San Juan Capistrano and Athena Diagnostics); PubMed 14735203 (cited by 4 submitters); PubMed 16914028 (cited by 3 submitters); PubMed 12552559 (cited by 4 submitters); PubMed 24416720 (cited by 4 submitters); PubMed 12091354 (cited by 4 submitters); PubMed 12810666 (cited by 3 submitters); PubMed 21933854 (cited by Quest Diagnostics Nichols Institute San Juan Capistrano and Athena Diagnostics); PubMed 33280026 (cited by Quest Diagnostics Nichols Institute San Juan Capistrano); PubMed 20305132 (cited by Women's Health and Genetics/Laboratory Corporation of America, LabCorp).